The following is an entry in ClinVar:

ClinVar aggregate classification (germline): Uncertain significance. Review status: criteria provided, multiple submitters, no conflicts (2 of 4 stars). 2 submissions from 2 submitters: Uncertain significance (2). Last evaluated 2026-01-22.

Conditions:
Cyclical neutropenia. Also called: Cyclic hematopoiesis; Cyclic Neutropenia. Identifiers: Orphanet 2686, MedGen C0221023, MONDO:0008090, OMIM 162800, HP:0040289. Disease mechanism: loss of function.
Neutropenia, severe congenital, 1, autosomal dominant. Identifiers: MedGen C1859966, MONDO:0042490, OMIM 202700.
Inborn genetic diseases. Identifiers: MedGen C0950123, MeSH D030342.

Allele frequency attached by ClinVar (database versions not stated): gnomAD 0.00001.

Submissions (2):

Ambry Genetics
Classification: Uncertain significance for Inborn genetic diseases. Last evaluated: 2026-01-22. Review status: criteria provided, single submitter. Criteria: Ambry Variant Classification Scheme 2023. Collection method: clinical testing. Allele origin: germline.
Comment: The p.C14Y variant (also known as c.41G>A), located in coding exon 1 of the ELANE gene, results from a G to A substitution at nucleotide position 41. The cysteine at codon 14 is replaced by tyrosine, an amino acid with highly dissimilar properties. This amino acid position is conserved. In addition, this alteration is predicted to be tolerated by in silico analysis. Based on the available evidence, the clinical significance of this variant remains unclear.

Labcorp Genetics (formerly Invitae), Labcorp
Classification: Uncertain significance for Neutropenia, severe congenital, 1, autosomal dominant; Cyclical neutropenia. Last evaluated: 2020-12-11. Review status: criteria provided, single submitter. Criteria: Invitae Variant Classification Sherloc (09022015). Collection method: clinical testing. Allele origin: germline.
Comment: In summary, the available evidence is currently insufficient to determine the role of this variant in disease. Therefore, it has been classified as a Variant of Uncertain Significance. Algorithms developed to predict the effect of missense changes on protein structure and function output the following: SIFT: "Tolerated"; PolyPhen-2: "Benign"; Align-GVGD: "Class C0". The tyrosine amino acid residue is found in multiple mammalian species, suggesting that this missense change does not adversely affect protein function. These predictions have not been confirmed by published functional studies and their clinical significance is uncertain. This variant has not been reported in the literature in individuals with ELANE-related conditions. This variant is not present in population databases (ExAC no frequency). This sequence change replaces cysteine with tyrosine at codon 14 of the ELANE protein (p.Cys14Tyr). The cysteine residue is weakly conserved and there is a large physicochemical difference between cysteine and tyrosine.

NM_001972.4(ELANE):c.41G>A (p.Cys14Tyr)

Gene: ELANE (elastase, neutrophil expressed; plus strand). Cytogenetic location: 19p13.3.
Variant type: single nucleotide variant.
Coding change: c.41G>A on transcript NM_001972.4 (MANE Select); coding-DNA position 41, G replaced by A.
Protein change: p.Cys14Tyr; replaces cysteine 14 with tyrosine.
Molecular consequence: missense variant.
Genome position (GRCh38, 1-based): chr19:852,369, G>A. VCF-style: chr19-852369-G-A. GRCh37 (hg19) VCF-style: chr19-852369-G-A.
Other names: c.41G>A (NM_001972.2); short protein forms C14Y.
Identifiers: ClinVar variation 1369886 (VCV001369886.9), dbSNP rs1470888380, ClinGen allele CA402914220.